The following is an entry in ClinVar:

NM_005188.4(CBL):c.1082T>C (p.Ile361Thr)

Gene: CBL (Cbl proto-oncogene; plus strand). Cytogenetic location: 11q23.3.
Variant type: single nucleotide variant.
Coding change: c.1082T>C on transcript NM_005188.4 (MANE Select); coding-DNA position 1082, T replaced by C.
Protein change: p.Ile361Thr; replaces isoleucine 361 with threonine.
Molecular consequence: missense variant.
Genome position (GRCh38, 1-based): chr11:119,277,831, T>C. VCF-style: chr11-119277831-T-C. GRCh37 (hg19) VCF-style: chr11-119148541-T-C.
Other names: short protein forms I361T.
Identifiers: ClinVar variation 2884308 (VCV002884308.3), dbSNP rs1206278540, ClinGen allele CA382912067.

ClinVar aggregate classification (germline): Uncertain significance (1 of 4 stars; one submission).

Conditions:
RASopathy. Also called: rasopathies; Noonan spectrum disorder. Identifiers: Orphanet 536391, MedGen C5555857, MONDO:0021060.

Submission:

Labcorp Genetics (formerly Invitae), Labcorp
Classification: Uncertain significance for RASopathy. Last evaluated: 2025-07-14. Review status: criteria provided, single submitter. Criteria: Invitae Variant Classification Sherloc (09022015). Collection method: clinical testing. Allele origin: germline.
Comment: This sequence change replaces isoleucine, which is neutral and non-polar, with threonine, which is neutral and polar, at codon 361 of the CBL protein (p.Ile361Thr). This variant is not present in population databases (gnomAD no frequency). This variant has not been reported in the literature in individuals affected with CBL-related conditions. ClinVar contains an entry for this variant (Variation ID: 2884308). Invitae Evidence Modeling of protein sequence and biophysical properties (such as structural, functional, and spatial information, amino acid conservation, physicochemical variation, residue mobility, and thermodynamic stability) indicates that this missense variant is expected to disrupt CBL protein function with a positive predictive value of 95%. In summary, the available evidence is currently insufficient to determine the role of this variant in disease. Therefore, it has been classified as a Variant of Uncertain Significance.